The following is an entry in ClinVar:

NM_000059.4(BRCA2):c.2179T>G (p.Ser727Ala)

Gene: BRCA2 (BRCA2 DNA repair associated; plus strand). Cytogenetic location: 13q13.1.
Variant type: single nucleotide variant.
Coding change: c.2179T>G on transcript NM_000059.4 (MANE Select); coding-DNA position 2179, T replaced by G.
Protein change: p.Ser727Ala; replaces serine 727 with alanine.
Molecular consequence: missense variant. On other transcripts: non-coding transcript variant (1), intron variant (2).
Genome position (GRCh38, 1-based): chr13:32,336,534, T>G. VCF-style: chr13-32336534-T-G. GRCh37 (hg19) VCF-style: chr13-32910671-T-G.
Other names: c.2179T>G, p.Ser727Ala (NM_001406719.1, NM_001406720.1, NM_001432077.1); c.1909+3147T>G (NM_001406721.1); c.424+5504T>G (NM_001406722.1); short protein forms S727A.
Identifiers: ClinVar variation 3992831 (VCV003992831.1).
Genomic context (GRCh38, chr13:32,336,534, plus strand): 5'-GATTCTCTGTCATGCCTGCAGGAAGGACAGTGTGAAAATGATCCAAAAAGCAAAAAAGTT[T>G]CAGATATAAAAGAAGAGGTCTTGGCTGCAGCATGTCACCCAGTACAACATTCAAAAGTGG-3'
Protein context (NP_000050.3, residues 717-737): CENDPKSKKV[Ser727Ala]DIKEEVLAAA

ClinVar aggregate classification (germline): Uncertain significance (1 of 4 stars; one submission).

Conditions:
Hereditary cancer-predisposing syndrome. Also called: Tumor predisposition; Hereditary neoplastic syndrome; Neoplastic Syndromes, Hereditary; Hereditary Cancer Syndrome. Identifiers: Orphanet 140162, MedGen C0027672, MeSH D009386, MONDO:0015356.

Submission:

Ambry Genetics
Classification: Uncertain significance for Hereditary cancer-predisposing syndrome. Last evaluated: 2025-05-06. Review status: criteria provided, single submitter. Criteria: Ambry Variant Classification Scheme 2023. Collection method: clinical testing. Allele origin: germline.
Comment: The p.S727A variant (also known as c.2179T>G), located in coding exon 10 of the BRCA2 gene, results from a T to G substitution at nucleotide position 2179. The serine at codon 727 is replaced by alanine, an amino acid with similar properties. This amino acid position is conserved. In addition, this alteration is predicted to be tolerated by in silico analysis. Based on the available evidence, the clinical significance of this variant remains unclear.